The following is an entry in ClinVar:

NM_020800.3(IFT80):c.2039T>C (p.Leu680Pro)

Genes: IFT80 (intraflagellar transport 80; minus strand), TRIM59-IFT80 (TRIM59-IFT80 readthrough (NMD candidate); minus strand). Cytogenetic location: 3q25.33.
Variant type: single nucleotide variant.
Coding change: c.2039T>C on transcript NM_020800.3 (MANE Select); coding-DNA position 2039, T replaced by C.
Protein change: p.Leu680Pro; replaces leucine 680 with proline.
Molecular consequence: missense variant. On other transcripts: non-coding transcript variant (3).
Genome position (GRCh38, 1-based): chr3:160,277,366, A>G on the plus strand (T>C on the coding strand, the complement: IFT80 is on the minus strand). VCF-style: chr3-160277366-A-G. GRCh37 (hg19) VCF-style: chr3-159995154-A-G.
Other names: c.1628T>C, p.Leu543Pro (NM_001190241.2, NM_001190242.2); short protein forms L543P, L680P.
Identifiers: ClinVar variation 3054925 (VCV003054925.2), dbSNP rs2473099519, ClinGen allele CA355190249.

ClinVar aggregate classification (germline): Uncertain significance (0 of 4 stars; one submission).

Conditions:
IFT80-related disorder. Also called: IFT80-related condition.

Submission:

PreventionGenetics, part of Exact Sciences
Classification: Uncertain significance for IFT80-related condition. Last evaluated: 2023-10-23. Review status: no assertion criteria provided. Collection method: clinical testing. Allele origin: germline.
Comment: The IFT80 c.2039T>C variant is predicted to result in the amino acid substitution p.Leu680Pro. To our knowledge, this variant has not been reported in the literature or in a large population database, indicating this variant is rare. At this time, the clinical significance of this variant is uncertain due to the absence of conclusive functional and genetic evidence.